The following is an entry in ClinVar:

NM_018489.3(ASH1L):c.7187G>A (p.Cys2396Tyr)

Gene: ASH1L (ASH1 like histone lysine methyltransferase; minus strand). Cytogenetic location: 1q22.
Variant type: single nucleotide variant.
Coding change: c.7187G>A on transcript NM_018489.3 (MANE Select); coding-DNA position 7187, G replaced by A.
Protein change: p.Cys2396Tyr; replaces cysteine 2396 with tyrosine.
Molecular consequence: missense variant.
Genome position (GRCh38, 1-based): chr1:155,354,499, C>T on the plus strand (G>A on the coding strand, the complement: ASH1L is on the minus strand). VCF-style: chr1-155354499-C-T. GRCh37 (hg19) VCF-style: chr1-155324290-C-T.
Other names: c.7202G>A, p.Cys2401Tyr (NM_001366177.2); short protein forms C2396Y, C2401Y.
Identifiers: ClinVar variation 973286 (VCV000973286.4), dbSNP rs1654197505, ClinGen allele CA342747632.

ClinVar aggregate classification (germline): Uncertain significance (1 of 4 stars; one submission).

Conditions:
ASH1L-related neurodevelopmental disorders.

Submission:

Illumina Laboratory Services, Illumina
Classification: Uncertain significance for ASH1L-related neurodevelopmental disorders. Last evaluated: 2020-03-31. Review status: criteria provided, single submitter. Criteria: ICSLVariantClassificationCriteria RUGD 01 April 2020. Collection method: clinical testing. Allele origin: unknown.
Comment: The ASH1L c.7187G>A (p.Cys2396Tyr) variant is a missense variant. A literature search was performed for the gene, cDNA change, and amino acid change. No publications were found based on this search. This variant is not found in the Genome Aggregation Database in a region of good sequence coverage, so the variant is presumed to be rare. Based on the limited evidence, the p.Cys2396Tyr variant is classified as a variant of unknown significance for ASH1L-related neurodevelopmental disorders.